The following is an entry in ClinVar:

ClinVar aggregate classification (germline): Uncertain significance. Review status: criteria provided, multiple submitters, no conflicts (2 of 4 stars). 2 submissions from 2 submitters: Uncertain significance (2). Last evaluated 2025-09-10.

Conditions:
Cardiovascular phenotype. Identifiers: MedGen CN230736.

Submissions (2):

Ambry Genetics
Classification: Uncertain significance for Cardiovascular phenotype. Last evaluated: 2025-09-10. Review status: criteria provided, single submitter. Criteria: Ambry Variant Classification Scheme 2023. Collection method: clinical testing. Allele origin: germline.

Mayo Clinic Laboratories, Mayo Clinic
Classification: Uncertain significance. Last evaluated: 2025-04-21. Review status: criteria provided, single submitter. Criteria: ACMG Guidelines, 2015. Collection method: clinical testing. Allele origin: germline. Observed: 1 variant allele.
Comment: BP4_moderate

NM_001365276.2(TNXB):c.10900G>A (p.Gly3634Arg)

Genes: TNXB (tenascin XB; minus strand), LOC106780803 (tenascin XB recombination region; plus strand). Cytogenetic location: 6p21.33.
Variant type: single nucleotide variant.
Coding change: c.10900G>A on transcript NM_001365276.2 (MANE Select); coding-DNA position 10900, G replaced by A.
Protein change: p.Gly3634Arg; replaces glycine 3634 with arginine.
Molecular consequence: missense variant.
Genome position (GRCh38, 1-based): chr6:32,045,033, C>T on the plus strand (G>A on the coding strand, the complement: TNXB is on the minus strand). VCF-style: chr6-32045033-C-T. GRCh37 (hg19) VCF-style: chr6-32012810-C-T.
Other names: p.Gly3632Arg; c.11641G>A, p.Gly3881Arg (NM_001428335.1); c.10894G>A, p.Gly3632Arg (NM_019105.8); c.187G>A, p.Gly63Arg (NM_032470.4); short protein forms G3881R, G3634R, G3632R, G63R.
Identifiers: ClinVar variation 4188755 (VCV004188755.2).